The following is an entry in ClinVar:

ClinVar aggregate classification (germline): Likely benign (1 of 4 stars; one submission).

Conditions:
TRIM63-related disorder. Also called: TRIM63-related condition.

gnomAD v4.1: 27 of 1,613,164 alleles (0.0017%); highest among the groups gnomAD compares: African/African-American, 0.02%; no homozygotes.

Submission:

PreventionGenetics, part of Exact Sciences
Classification: Likely benign for TRIM63-related condition. Last evaluated: 2026-01-22. Review status: criteria provided, single submitter. Criteria: ACMG Guidelines, 2015. Collection method: clinical testing. Allele origin: germline.
Comment: This variant is classified as likely benign based on ACMG/AMP sequence variant interpretation guidelines (Richards et al. 2015 PMID: 25741868, with internal and published modifications).

NM_032588.4(TRIM63):c.594C>A (p.Thr198=)

Gene: TRIM63 (tripartite motif containing 63; minus strand). Cytogenetic location: 1p36.11.
Variant type: single nucleotide variant.
Coding change: c.594C>A on transcript NM_032588.4 (MANE Select); coding-DNA position 594, C replaced by A.
Protein change: p.Thr198=; no amino-acid change (threonine 198 retained).
Molecular consequence: synonymous variant.
Genome position (GRCh38, 1-based): chr1:26,060,269, G>T on the plus strand (C>A on the coding strand, the complement: TRIM63 is on the minus strand). VCF-style: chr1-26060269-G-T. GRCh37 (hg19) VCF-style: chr1-26386760-G-T.
Identifiers: ClinVar variation 4990146 (VCV004990146.1).